The following is an entry in ClinVar:

NM_001130021.3(ATP6V0A1):c.1963C>T (p.Pro655Ser)

Gene: ATP6V0A1 (ATPase H+ transporting V0 subunit a1; plus strand). Cytogenetic location: 17q21.2.
Variant type: single nucleotide variant.
Coding change: c.1963C>T on transcript NM_001130021.3 (MANE Select); coding-DNA position 1963, C replaced by T.
Protein change: p.Pro655Ser; replaces proline 655 with serine.
Molecular consequence: missense variant.
Genome position (GRCh38, 1-based): chr17:42,501,263, C>T. VCF-style: chr17-42501263-C-T. GRCh37 (hg19) VCF-style: chr17-40653281-C-T.
Other names: c.1984C>T, p.Pro662Ser (NM_001130020.3, NM_001378522.1, NM_001378523.1 and 3 more transcripts); c.2086C>T, p.Pro696Ser (NM_001378530.1, NM_001378533.1, NM_001378551.1 and 1 more transcripts); c.2107C>T, p.Pro703Ser (NM_001378531.1, NM_001378532.1); c.1963C>T, p.Pro655Ser (NM_001378535.1, NM_001378537.1, NM_001378542.1 and 3 more transcripts); c.1855C>T, p.Pro619Ser (NM_001378536.1, NM_001378550.1, NM_001378556.1); c.1834C>T, p.Pro612Ser (NM_001378538.1, NM_001378540.1); c.1804C>T, p.Pro602Ser (NM_001378543.1, NM_001378553.1); c.1753C>T, p.Pro585Ser (NM_001378545.1, NM_001378554.1, NM_001378555.1); and 3 more; short protein forms P612S, P584S, P602S, P573S, P585S, P595S, P619S, P696S.
Identifiers: ClinVar variation 2212179 (VCV002212179.3), dbSNP rs781542880, ClinGen allele CA8576452.

ClinVar aggregate classification (germline): Uncertain significance. Review status: criteria provided, multiple submitters, no conflicts (2 of 4 stars). 2 submissions from 2 submitters: Uncertain significance (2). Last evaluated 2023-02-18.

Conditions:
Inborn genetic diseases. Identifiers: MedGen C0950123, MeSH D030342.

Allele frequency attached by ClinVar (database versions not stated): gnomAD 0.00002; gnomAD exomes 0.00003; ExAC 0.00008; TOPMed 0.00008.
gnomAD v4.1: 40 of 1,613,990 alleles (0.0025%); highest among the groups gnomAD compares: Admixed American, 0.067%; no homozygotes.

Submissions (2):

GeneDx
Classification: Uncertain significance. Last evaluated: 2023-02-18. Review status: criteria provided, single submitter. Criteria: GeneDx Variant Classification Process June 2021. Collection method: clinical testing. Allele origin: germline. Affected: yes.
Comment: Not observed at significant frequency in large population cohorts (gnomAD); In silico analysis supports that this missense variant has a deleterious effect on protein structure/function; Has not been previously published as pathogenic or benign to our knowledge

Ambry Genetics
Classification: Uncertain significance for Inborn genetic diseases. Last evaluated: 2021-07-06. Review status: criteria provided, single submitter. Criteria: Ambry Variant Classification Scheme 2023. Collection method: clinical testing. Allele origin: germline.